The following is an entry in ClinVar:

NM_000135.4(FANCA):c.50G>C (p.Gly17Ala)

Genes: FANCA (FA complementation group A; minus strand), LOC112486223 (Sharpr-MPRA regulatory region 3988; plus strand). Cytogenetic location: 16q24.3.
Variant type: single nucleotide variant.
Coding change: c.50G>C on transcript NM_000135.4 (MANE Select); coding-DNA position 50, G replaced by C.
Protein change: p.Gly17Ala; replaces glycine 17 with alanine.
Molecular consequence: missense variant.
Genome position (GRCh38, 1-based): chr16:89,816,566, C>G on the plus strand (G>C on the coding strand, the complement: FANCA is on the minus strand). VCF-style: chr16-89816566-C-G. GRCh37 (hg19) VCF-style: chr16-89882974-C-G.
Other names: c.50G>C, p.Gly17Ala (NM_001018112.3, NM_001286167.3, NM_001351830.2); short protein forms G17A.
Identifiers: ClinVar variation 1426053 (VCV001426053.6), dbSNP rs1326963514, ClinGen allele CA397484477.

ClinVar aggregate classification (germline): Uncertain significance (1 of 4 stars; one submission).

Conditions:
Fanconi anemia (FA). Also called: Fanconi's anemia. Identifiers: Orphanet 84, MedGen C0015625, MeSH D005199, MONDO:0019391.

Submission:

Labcorp Genetics (formerly Invitae), Labcorp
Classification: Uncertain significance for Fanconi anemia. Last evaluated: 2021-11-23. Review status: criteria provided, single submitter. Criteria: Invitae Variant Classification Sherloc (09022015). Collection method: clinical testing. Allele origin: germline.
Comment: This sequence change replaces glycine, which is neutral and non-polar, with alanine, which is neutral and non-polar, at codon 17 of the FANCA protein (p.Gly17Ala). This variant is not present in population databases (gnomAD no frequency). This variant has not been reported in the literature in individuals affected with FANCA-related conditions. Advanced modeling of protein sequence and biophysical properties (such as structural, functional, and spatial information, amino acid conservation, physicochemical variation, residue mobility, and thermodynamic stability) performed at Invitae indicates that this missense variant is not expected to disrupt FANCA protein function. In summary, the available evidence is currently insufficient to determine the role of this variant in disease. Therefore, it has been classified as a Variant of Uncertain Significance.